The following is an entry in ClinVar:

NM_033056.4(PCDH15):c.5510C>T (p.Ser1837Phe)

Gene: PCDH15 (protocadherin related 15; minus strand). Cytogenetic location: 10q21.1.
Variant type: single nucleotide variant.
Coding change: c.5510C>T on transcript NM_033056.4 (MANE Plus Clinical); coding-DNA position 5510, C replaced by T.
Protein change: p.Ser1837Phe; replaces serine 1837 with phenylalanine.
Molecular consequence: missense variant. On other transcripts: intron variant (8).
Genome position (GRCh38, 1-based): chr10:53,822,216, G>A on the plus strand (C>T on the coding strand, the complement: PCDH15 is on the minus strand). VCF-style: chr10-53822216-G-A. GRCh37 (hg19) VCF-style: chr10-55581976-G-A.
Other names: c.5441C>T, p.Ser1814Phe (NM_001142773.2); c.5444C>T, p.Ser1815Phe (NM_001354404.2); c.4367+5177C>T (NM_001354420.2); c.4368-4203C>T (NM_001354429.2); c.4368-1986C>T (NM_001384140.1); c.4373+2920C>T (NM_001142772.2, NM_001142770.3); c.4388+2920C>T (NM_001142771.2); c.4388+5177C>T (NM_001354411.2); and 7 more; short protein forms S1797F, S1844F, S1839F, S1817F, S1768F, S1814F, S1815F, S1834F.
Identifiers: ClinVar variation 878317 (VCV000878317.12), dbSNP rs140047846, ClinGen allele CA5505020.

ClinVar aggregate classification (germline): Conflicting classifications of pathogenicity. Review status: criteria provided, conflicting classifications (1 of 4 stars). 5 submissions from 5 submitters: Uncertain significance (2); Likely benign (1). 2 of the submissions do not count toward it. Last evaluated 2025-12-27.

Conditions:
Usher syndrome type 1 (USH1). Also called: RETINITIS PIGMENTOSA AND CONGENITAL DEAFNESS. Identifiers: Orphanet 231169, Orphanet 886, MedGen C1568247, MONDO:0010168, OMIM 276900.
Usher syndrome type 1F (USH1F). Also called: USHER SYNDROME, TYPE IF. Identifiers: Orphanet 231169, Orphanet 886, MedGen C1865885, MONDO:0011186, OMIM 602083.

Allele frequency attached by ClinVar (database versions not stated): TOPMed 0.00006; gnomAD exomes 0.00010 and 0.00027; gnomAD 0.00005; ExAC 0.00038; ESP Exome Variant Server 0.00008.
gnomAD v4.1: 164 of 1,613,896 alleles (0.01%); highest among the groups gnomAD compares: Non-Finnish European, 0.0094%; no homozygotes.

Submissions (5):

Labcorp Genetics (formerly Invitae), Labcorp
Classification: Likely benign. Last evaluated: 2025-12-27. Review status: criteria provided, single submitter. Criteria: Invitae Variant Classification Sherloc (09022015). Collection method: clinical testing. Allele origin: germline.

GeneDx
Classification: Uncertain significance. Last evaluated: 2023-04-25. Review status: criteria provided, single submitter. Criteria: GeneDx Variant Classification Process June 2021. Collection method: clinical testing. Allele origin: germline. Affected: yes.
Comment: In silico analysis supports that this missense variant does not alter protein structure/function; Has not been previously published as pathogenic or benign to our knowledge

Illumina Laboratory Services, Illumina
Classification: Uncertain significance for Usher syndrome type 1. Last evaluated: 2018-01-13. Review status: criteria provided, single submitter. Criteria: ICSL Variant Classification Criteria 13 December 2019. Collection method: clinical testing. Allele origin: germline.

Natera, Inc.
Classification: Uncertain significance for Usher syndrome type 1F. Last evaluated: 2020-02-13. Review status: no assertion criteria provided. Collection method: clinical testing. Allele origin: germline. Not counted in ClinVar's aggregate classification.

Department of Pathology and Laboratory Medicine, Sinai Health System
Classification: Uncertain significance. Review status: no assertion criteria provided. Collection method: clinical testing. Allele origin: unknown. Affected: yes. Study: The Canadian Open Genetics Repository (COGR). Not counted in ClinVar's aggregate classification.
Comment: The PCDH15 p.Ser1817Phe variant was not identified in the literature nor was it identified in ClinVar, Cosmic or LOVD 3.0. The variant was identified in dbSNP (ID: rs140047846) and in control databases in 70 of 282722 chromosomes at a frequency of 0.000248 (Genome Aggregation Database Feb 27, 2017). The variant was observed in the following populations: European (Finnish) in 19 of 25118 chromosomes (freq: 0.000756), Other in 4 of 7224 chromosomes (freq: 0.000554) and European (non-Finnish) in 47 of 129064 chromosomes (freq: 0.000364); it was not observed in the African, Latino, Ashkenazi Jewish, East Asian and South Asian populations. The variant occurs outside of the splicing consensus sequence and in silico or computational prediction software programs (SpliceSiteFinder, MaxEntScan, NNSPLICE, GeneSplicer) do not predict a difference in splicing. The p.Ser1817 residue is conserved in mammals but not distantly related organisms and computational analyses (PolyPhen-2, SIFT, AlignGVGD, BLOSUM, MutationTaster) provide inconsistent predictions regarding the impact to the protein; this information is not very predictive of pathogenicity. In summary, based on the above information the clinical significance of this variant cannot be determined with certainty at this time. This variant is classified as a variant of uncertain significance.